The following is an entry in ClinVar:

NM_018489.3(ASH1L):c.1299G>T (p.Gln433His)

Gene: ASH1L (ASH1 like histone lysine methyltransferase; minus strand). Cytogenetic location: 1q22.
Variant type: single nucleotide variant.
Coding change: c.1299G>T on transcript NM_018489.3 (MANE Select); coding-DNA position 1299, G replaced by T.
Protein change: p.Gln433His; replaces glutamine 433 with histidine.
Molecular consequence: missense variant.
Genome position (GRCh38, 1-based): chr1:155,481,571, C>A on the plus strand (G>T on the coding strand, the complement: ASH1L is on the minus strand). VCF-style: chr1-155481571-C-A. GRCh37 (hg19) VCF-style: chr1-155451362-C-A.
Other names: c.1299G>T, p.Gln433His (NM_001366177.2); short protein forms Q433H.
Identifiers: ClinVar variation 2499392 (VCV002499392.1), dbSNP rs1177433453, ClinGen allele CA342736040.

ClinVar aggregate classification (germline): Uncertain significance (1 of 4 stars; one submission).

Submission:

GeneDx
Classification: Uncertain significance. Last evaluated: 2022-10-17. Review status: criteria provided, single submitter. Criteria: GeneDx Variant Classification Process June 2021. Collection method: clinical testing. Allele origin: germline. Affected: yes.
Comment: Not observed at significant frequency in large population cohorts (gnomAD); In silico analysis supports that this missense variant does not alter protein structure/function; Has not been previously published as pathogenic or benign to our knowledge